The following is an entry in ClinVar:

ClinVar aggregate classification (germline): Uncertain significance (1 of 4 stars; one submission).

Conditions:
Nephronophthisis. Also called: Juvenile Nephronophthisis. Identifiers: Orphanet 655, MedGen C0687120, MONDO:0019005, HP:0000090.

Submission:

Labcorp Genetics (formerly Invitae), Labcorp
Classification: Uncertain significance for Nephronophthisis. Last evaluated: 2023-11-27. Review status: criteria provided, single submitter. Criteria: Invitae Variant Classification Sherloc (09022015). Collection method: clinical testing. Allele origin: germline.
Comment: This sequence change replaces arginine, which is basic and polar, with threonine, which is neutral and polar, at codon 73 of the NPHP4 protein (p.Arg73Thr). This variant is not present in population databases (gnomAD no frequency). This variant has not been reported in the literature in individuals affected with NPHP4-related conditions. ClinVar contains an entry for this variant (Variation ID: 2128020). Advanced modeling of protein sequence and biophysical properties (such as structural, functional, and spatial information, amino acid conservation, physicochemical variation, residue mobility, and thermodynamic stability) performed at Invitae indicates that this missense variant is expected to disrupt NPHP4 protein function with a positive predictive value of 80%. In summary, the available evidence is currently insufficient to determine the role of this variant in disease. Therefore, it has been classified as a Variant of Uncertain Significance.

NM_015102.5(NPHP4):c.218G>C (p.Arg73Thr)

Gene: NPHP4 (nephrocystin 4; minus strand). Cytogenetic location: 1p36.31.
Variant type: single nucleotide variant.
Coding change: c.218G>C on transcript NM_015102.5 (MANE Select); coding-DNA position 218, G replaced by C.
Protein change: p.Arg73Thr; replaces arginine 73 with threonine.
Molecular consequence: missense variant. On other transcripts: non-coding transcript variant (1), intron variant (1), 5 prime UTR variant (1).
Genome position (GRCh38, 1-based): chr1:5,978,331, C>G on the plus strand (G>C on the coding strand, the complement: NPHP4 is on the minus strand). VCF-style: chr1-5978331-C-G. GRCh37 (hg19) VCF-style: chr1-6038391-C-G.
Other names: c.-1087-9072G>C (NM_001291594.2); c.-1012G>C (NM_001291593.2); short protein forms R73T.
Identifiers: ClinVar variation 2128020 (VCV002128020.4), dbSNP rs2523983179, ClinGen allele CA338053070.